The following is an entry in ClinVar:

ClinVar aggregate classification (germline): Likely benign (0 of 4 stars; one submission).

Conditions:
PSMB8-related disorder. Also called: PSMB8-related condition.

gnomAD v4.1: 3 of 1,613,928 alleles (0.00019%); highest among the groups gnomAD compares: East Asian, 0.0022%; no homozygotes.

Submission:

PreventionGenetics, part of Exact Sciences
Classification: Likely benign for PSMB8-related condition. Last evaluated: 2024-05-23. Review status: no assertion criteria provided. Collection method: clinical testing. Allele origin: germline.
Comment: This variant is classified as likely benign based on ACMG/AMP sequence variant interpretation guidelines (Richards et al. 2015 PMID: 25741868, with internal and published modifications).

NM_004159.5(PSMB8):c.96C>T (p.Thr32=)

Genes: PSMB8 (proteasome 20S subunit beta 8; minus strand), PSMB8-AS1 (PSMB8 antisense RNA 1; plus strand). Cytogenetic location: 6p21.32.
Variant type: single nucleotide variant.
Coding change: c.96C>T on transcript NM_004159.5; coding-DNA position 96, C replaced by T.
Protein change: p.Thr32=; no amino-acid change (threonine 32 retained).
Molecular consequence: synonymous variant.
Genome position (GRCh38, 1-based): chr6:32,844,318, G>A on the plus strand (C>T on the coding strand, the complement: PSMB8 is on the minus strand). VCF-style: chr6-32844318-G-A. GRCh37 (hg19) VCF-style: chr6-32812095-G-A.
Identifiers: ClinVar variation 3358715 (VCV003358715.1).